The following is an entry in ClinVar:

ClinVar aggregate classification (germline): Pathogenic (1 of 4 stars; one submission).

Submission:

Labcorp Genetics (formerly Invitae), Labcorp
Classification: Pathogenic. Last evaluated: 2025-12-01. Review status: criteria provided, single submitter. Criteria: Invitae Variant Classification Sherloc (09022015). Collection method: clinical testing. Allele origin: germline.
Comment: This sequence change creates a premature translational stop signal (p.Tyr470*) in the POLE gene. It is expected to result in an absent or disrupted protein product. Loss-of-function variants in POLE are known to be pathogenic (PMID: 23230001, 25948378, 30503519). This variant is not present in population databases (gnomAD no frequency). This variant has not been reported in the literature in individuals affected with POLE-related conditions. ClinVar contains an entry for this variant (Variation ID: 1407558). For these reasons, this variant has been classified as Pathogenic.

Literature cited by the submitters: PubMed 23230001; PubMed 25948378; PubMed 30503519.

NM_006231.4(POLE):c.1410C>G (p.Tyr470Ter)

Gene: POLE (DNA polymerase epsilon, catalytic subunit; minus strand). Cytogenetic location: 12q24.33.
Variant type: single nucleotide variant.
Coding change: c.1410C>G on transcript NM_006231.4 (MANE Select); coding-DNA position 1410, C replaced by G.
Protein change: p.Tyr470Ter; replaces tyrosine 470 with a stop codon.
Molecular consequence: nonsense.
Genome position (GRCh38, 1-based): chr12:132,673,227, G>C on the plus strand (C>G on the coding strand, the complement: POLE is on the minus strand). VCF-style: chr12-132673227-G-C. GRCh37 (hg19) VCF-style: chr12-133249813-G-C.
Other names: short protein forms Y470*.
Identifiers: ClinVar variation 1407558 (VCV001407558.9), dbSNP rs1593072345, ClinGen allele CA387358509.